The following is an entry in ClinVar:

NM_005220.3(DLX3):c.574del (p.Glu192fs)

Gene: DLX3 (distal-less homeobox 3; minus strand). Cytogenetic location: 17q21.33.
Variant type: Deletion.
Coding change: c.574del on transcript NM_005220.3 (MANE Select); coding-DNA position 574, one base deleted (G; older notation c.574delG).
Protein change: p.Glu192fs; shifts the reading frame from glutamic acid 192.
Molecular consequence: frameshift variant.
Genome position (GRCh38, 1-based): chr17:49,991,807, C deleted on the plus strand (G on the coding strand, the reverse complement: DLX3 is on the minus strand); the first of 4 consecutive C bases (chr17:49,991,807-49,991,810); deleting any one gives the same sequence. VCF-style (leftmost placement, unchanged base first): chr17-49991806-TC-T. GRCh37 (hg19) VCF-style: chr17-48069170-TC-T.
Other names: short protein forms E192fs.
Identifiers: ClinVar variation 430607 (VCV000430607.4), dbSNP rs1057518764, ClinGen allele CA658684129.

ClinVar aggregate classification (germline): Likely pathogenic. Review status: criteria provided, single submitter (1 of 4 stars). 2 submissions from 2 submitters: Likely pathogenic (1). 1 of the submissions does not count toward it. Last evaluated 2022-04-27.

Conditions:
Tricho-dento-osseous syndrome (TDO). Also called: TDO SYNDROME. Identifiers: Orphanet 3352, MedGen C0265333, MONDO:0008592, OMIM 190320.
Hypomaturation-hypoplastic amelogenesis imperfecta with taurodontism. Also called: Amelogenesis imperfecta, type IV. Identifiers: Orphanet 100034, Orphanet 88661, MedGen C1863012, MONDO:0007093, OMIM 104510. Disease mechanism: loss of function.

Submissions (2):

Fulgent Genetics
Classification: Likely pathogenic for Hypomaturation-hypoplastic amelogenesis imperfecta with taurodontism; Tricho-dento-osseous syndrome. Last evaluated: 2022-04-27. Review status: criteria provided, single submitter. Criteria: ACMG Guidelines, 2015. Collection method: clinical testing. Allele origin: unknown.

Leeds Amelogenesis Imperfecta Research Group, University of Leeds
Classification: Pathogenic for Hypomaturation-hypoplastic amelogenesis imperfecta with taurodontism; Tricho-dento-osseous syndrome. Last evaluated: 2017-07-03. Review status: no assertion criteria provided. Collection method: research. Allele origin: germline. Inheritance: Autosomal dominant inheritance. Affected: yes. Observed: 5 variant alleles, 5 heterozygotes. Clinical features observed: Amelogenesis imperfecta, Abnormal hair morphology, Taurodontism. Not counted in ClinVar's aggregate classification.
Comment: The frameshift variant is within the final exon and therefore the protein is likely to escape nonsense mediated decay. The final 96 amino acids are expected to be lost from the 287 amino acid protein.